The following is an entry in ClinVar:

NM_001042492.3(NF1):c.6832del (p.Cys2278fs)

Gene: NF1 (neurofibromin 1; plus strand). Cytogenetic location: 17q11.2.
Variant type: Deletion.
Coding change: c.6832del on transcript NM_001042492.3 (MANE Select); coding-DNA position 6832, one base deleted (T; older notation c.6832delT).
Protein change: p.Cys2278fs; shifts the reading frame from cysteine 2278.
Molecular consequence: frameshift variant.
Genome position (GRCh38, 1-based): chr17:31,338,716, T deleted; the last of 2 consecutive T bases (chr17:31,338,715-31,338,716); deleting either gives the same sequence. VCF-style (leftmost placement, unchanged base first): chr17-31338714-GT-G. GRCh37 (hg19) VCF-style: chr17-29665732-GT-G.
Other names: c.6769delT, p.Cys2257Alafs (NM_000267.4); short protein forms C2257fs, C2278fs.
Identifiers: ClinVar variation 954564 (VCV000954564.7), dbSNP rs2069742717, ClinGen allele CA658760992.

ClinVar aggregate classification (germline): Pathogenic. Review status: criteria provided, multiple submitters, no conflicts (2 of 4 stars). 2 submissions from 2 submitters: Pathogenic (2). Last evaluated 2023-11-10.

Conditions:
Neurofibromatosis, type 1 (NF1). Also called: VON RECKLINGHAUSEN DISEASE; NEUROFIBROMATOSIS, TYPE I, SOMATIC; Peripheral type neurofibromatosis; Neurofibromatosis, type I. Identifiers: Orphanet 636, MedGen C0027831, MONDO:0018975, OMIM 162200. Disease mechanism: loss of function.

Submissions (2):

Labcorp Genetics (formerly Invitae), Labcorp
Classification: Pathogenic for Neurofibromatosis, type 1. Last evaluated: 2023-11-10. Review status: criteria provided, single submitter. Criteria: Invitae Variant Classification Sherloc (09022015). Collection method: clinical testing. Allele origin: germline.
Comment: This sequence change creates a premature translational stop signal (p.Cys2257Alafs*2) in the NF1 gene. It is expected to result in an absent or disrupted protein product. Loss-of-function variants in NF1 are known to be pathogenic (PMID: 10712197, 23913538). This variant is not present in population databases (gnomAD no frequency). This premature translational stop signal has been observed in individual(s) with neurofibromatosis type 1 (PMID: 23913538). ClinVar contains an entry for this variant (Variation ID: 954564). Algorithms developed to predict the effect of sequence changes on RNA splicing suggest that this variant may disrupt the consensus splice site. For these reasons, this variant has been classified as Pathogenic.

GeneDx
Classification: Pathogenic. Last evaluated: 2023-04-03. Review status: criteria provided, single submitter. Criteria: GeneDx Variant Classification Process June 2021. Collection method: clinical testing. Allele origin: germline. Affected: yes.
Comment: Frameshift variant predicted to result in protein truncation or nonsense mediated decay in a gene for which loss of function is a known mechanism of disease; Not observed at significant frequency in large population cohorts (gnomAD); This variant is associated with the following publications: (PMID: 23913538)

Literature cited by the submitters: PubMed 10712197 (cited by Labcorp Genetics (formerly Invitae), Labcorp); PubMed 23913538 (cited by Labcorp Genetics (formerly Invitae), Labcorp).